The following is an entry in ClinVar:

NM_014423.4(AFF4):c.1873G>T (p.Ala625Ser)

Gene: AFF4 (ALF transcription elongation factor 4; minus strand). Cytogenetic location: 5q31.1.
Variant type: single nucleotide variant.
Coding change: c.1873G>T on transcript NM_014423.4 (MANE Select); coding-DNA position 1873, G replaced by T.
Protein change: p.Ala625Ser; replaces alanine 625 with serine.
Molecular consequence: missense variant.
Genome position (GRCh38, 1-based): chr5:132,896,757, C>A on the plus strand (G>T on the coding strand, the complement: AFF4 is on the minus strand). VCF-style: chr5-132896757-C-A. GRCh37 (hg19) VCF-style: chr5-132232449-C-A.
Other names: short protein forms A625S.
Identifiers: ClinVar variation 1198091 (VCV001198091.2), dbSNP rs2150072817, ClinGen allele CA360936608.

ClinVar aggregate classification (germline): Uncertain significance (1 of 4 stars; one submission).

Submission:

GeneDx
Classification: Uncertain significance. Last evaluated: 2020-01-21. Review status: criteria provided, single submitter. Criteria: GeneDx Variant Classification Process June 2021. Collection method: clinical testing. Allele origin: germline. Affected: yes.
Comment: Not observed in large population cohorts (Lek et al., 2016); In silico analysis, which includes protein predictors and evolutionary conservation, supports that this variant does not alter protein structure/function; Has not been previously published as pathogenic or benign to our knowledge